The following is an entry in ClinVar:

NM_144991.3(TSPEAR):c.1334_1336+45del

Gene: TSPEAR (thrombospondin type laminin G domain and EAR repeats; minus strand). Cytogenetic location: 21q22.3.
Variant type: Deletion.
Coding change: c.1334_1336+45del on transcript NM_144991.3 (MANE Select); coding-DNA position 1334 through 45 bases into the intron after coding-DNA position 1336, 48 bases deleted.
Molecular consequence: splice donor variant.
Genome position (GRCh38, 1-based): chr21:44,525,608-44,525,655, 48 bases deleted; deleting any 48 consecutive bases within chr21:44,525,608-44,525,658 gives the same sequence; the c. name uses the placement nearest the transcript's 3' end. GRCh37 (hg19): chr21:45,945,494-45,945,541.
Other names: c.1130_1132+45del (NM_001272037.2).
Identifiers: ClinVar variation 2111095 (VCV002111095.4), dbSNP rs2517373694, ClinGen allele CA2580098998.

ClinVar aggregate classification (germline): Pathogenic (1 of 4 stars; one submission).

Submission:

Labcorp Genetics (formerly Invitae), Labcorp
Classification: Pathogenic. Last evaluated: 2022-10-03. Review status: criteria provided, single submitter. Criteria: Invitae Variant Classification Sherloc (09022015). Collection method: clinical testing. Allele origin: germline.
Comment: Algorithms developed to predict the effect of sequence changes on RNA splicing suggest that this variant may disrupt the consensus splice site. For these reasons, this variant has been classified as Pathogenic. This variant has been observed in individual(s) with clinical features of ectodermal dysplasia (Invitae). In at least one individual the data is consistent with being in trans (on the opposite chromosome) from a pathogenic variant. This variant is not present in population databases (gnomAD no frequency). This variant results in the deletion of part of exon 8 (c.1334_1336+45del) of the TSPEAR gene. It is expected to disrupt RNA splicing. Variants that disrupt the donor or acceptor splice site typically lead to a loss of protein function (PMID: 16199547), and loss-of-function variants in TSPEAR are known to be pathogenic (PMID: 34042254).

Literature cited by the submitters: PubMed 16199547; PubMed 34042254.